The following is an entry in ClinVar:

ClinVar aggregate classification (germline): Uncertain significance (1 of 4 stars; one submission).

Conditions:
Noonan syndrome 9 (NS9). Identifiers: Orphanet 648, MedGen C4225282, MONDO:0014691, OMIM 616559.

Submission:

Labcorp Genetics (formerly Invitae), Labcorp
Classification: Uncertain significance for Noonan syndrome 9. Last evaluated: 2025-10-20. Review status: criteria provided, single submitter. Criteria: Invitae Variant Classification Sherloc (09022015). Collection method: clinical testing. Allele origin: germline.
Comment: This sequence change falls in intron 7 of the SOS2 gene. It does not directly change the encoded amino acid sequence of the SOS2 protein. It affects a nucleotide within the consensus splice site. This variant is not present in population databases (gnomAD no frequency). This variant has not been reported in the literature in individuals affected with SOS2-related conditions. ClinVar contains an entry for this variant (Variation ID: 1478380). Variants that disrupt the consensus splice site are a relatively common cause of aberrant splicing (PMID: 17576681, 9536098). Algorithms developed to predict the effect of sequence changes on RNA splicing suggest that this variant is not likely to affect RNA splicing. In summary, the available evidence is currently insufficient to determine the role of this variant in disease. Therefore, it has been classified as a Variant of Uncertain Significance.

Literature cited by the submitters: PubMed 17576681; PubMed 9536098.

NM_006939.4(SOS2):c.969+6C>T

Gene: SOS2 (SOS Ras/Rho guanine nucleotide exchange factor 2; minus strand). Cytogenetic location: 14q21.3.
Variant type: single nucleotide variant.
Coding change: c.969+6C>T on transcript NM_006939.4 (MANE Select); 6 bases into the intron after coding-DNA position 969, C replaced by T.
Molecular consequence: intron variant.
Genome position (GRCh38, 1-based): chr14:50,180,566, G>A on the plus strand (C>T on the coding strand, the complement: SOS2 is on the minus strand). VCF-style: chr14-50180566-G-A. GRCh37 (hg19) VCF-style: chr14-50647284-G-A.
Identifiers: ClinVar variation 1478380 (VCV001478380.6), dbSNP rs1194667646, ClinGen allele CA613838909.